The following is an entry in ClinVar:

NM_002049.4(GATA1):c.575G>A (p.Gly192Glu)

Gene: GATA1 (GATA binding protein 1; plus strand). Cytogenetic location: Xp11.23.
Variant type: single nucleotide variant.
Coding change: c.575G>A on transcript NM_002049.4 (MANE Select); coding-DNA position 575, G replaced by A.
Protein change: p.Gly192Glu; replaces glycine 192 with glutamic acid.
Molecular consequence: missense variant.
Genome position (GRCh38, 1-based): chrX:48,792,198, G>A. VCF-style: chrX-48792198-G-A. GRCh37 (hg19) VCF-style: chrX-48650605-G-A.
Other names: short protein forms G192E.
Identifiers: ClinVar variation 4262098 (VCV004262098.2).

ClinVar aggregate classification (germline): Uncertain significance. Review status: criteria provided, multiple submitters, no conflicts (2 of 4 stars). 2 submissions from 2 submitters: Uncertain significance (2). Last evaluated 2025-09-10.

Conditions:
Inborn genetic diseases. Identifiers: MedGen C0950123, MeSH D030342.
GATA binding protein 1 related thrombocytopenia with dyserythropoiesis. Also called: GATA1-Related Cytopenia; GATA1-Related X-Linked Cytopenia. Identifiers: MedGen C1845837, MONDO:0100089.
Diamond-Blackfan anemia. Also called: Blackfan Diamond syndrome; Aregenerative anemia chronic congenital; Red cell aplasia, pure hereditary; Congenital hypoplastic anemia; Aase syndrome. Identifiers: Orphanet 124, MedGen C1260899, MeSH D029503, MONDO:0015253, HP:0004810.

Submissions (2):

Ambry Genetics
Classification: Uncertain significance for Inborn genetic diseases. Last evaluated: 2025-09-10. Review status: criteria provided, single submitter. Criteria: Ambry Variant Classification Scheme 2023. Collection method: clinical testing. Allele origin: germline.

Labcorp Genetics (formerly Invitae), Labcorp
Classification: Uncertain significance for GATA binding protein 1 related thrombocytopenia with dyserythropoiesis; Diamond-Blackfan anemia. Last evaluated: 2025-02-13. Review status: criteria provided, single submitter. Criteria: Invitae Variant Classification Sherloc (09022015). Collection method: clinical testing. Allele origin: germline.
Comment: This sequence change replaces glycine, which is neutral and non-polar, with glutamic acid, which is acidic and polar, at codon 192 of the GATA1 protein (p.Gly192Glu). The frequency data for this variant in the population databases is considered unreliable, as metrics indicate poor data quality at this position in the gnomAD database. This variant has not been reported in the literature in individuals affected with GATA1-related conditions. Invitae Evidence Modeling of protein sequence and biophysical properties (such as structural, functional, and spatial information, amino acid conservation, physicochemical variation, residue mobility, and thermodynamic stability) has been performed for this missense variant. However, the output from this modeling did not meet the statistical confidence thresholds required to predict the impact of this variant on GATA1 protein function. In summary, the available evidence is currently insufficient to determine the role of this variant in disease. Therefore, it has been classified as a Variant of Uncertain Significance.